The following is an entry in ClinVar:

ClinVar aggregate classification (germline): Likely pathogenic (1 of 4 stars; one submission).

Conditions:
AHDC1-related intellectual disability - obstructive sleep apnea - mild dysmorphism syndrome. Also called: Xia-Gibbs syndrome. Identifiers: Orphanet 412069, MedGen C4014419, MONDO:0014358, OMIM 615829.

Submission:

3billion
Classification: Likely pathogenic for AHDC1-related intellectual disability - obstructive sleep apnea - mild dysmorphism syndrome. Last evaluated: 2024-03-04. Review status: criteria provided, single submitter. Criteria: ACMG Guidelines, 2015. Collection method: clinical testing. Allele origin: germline. Affected: yes.
Comment: The variant is not observed in the gnomAD v2.1.1 dataset. Predicted Consequence/Location: Frameshift: predicted to result in a loss or disruption of normal protein function through nonsense-mediated decay (NMD) or protein truncation. Multiple pathogenic variants are reported downstream of the variant. Therefore, this variant is classified as Likely pathogenic according to the recommendation of ACMG/AMP guideline.

NM_001371928.1(AHDC1):c.2002del (p.Arg668fs)

Gene: AHDC1 (AT-hook DNA binding motif containing 1; minus strand). Cytogenetic location: 1p36.11.
Variant type: Deletion.
Coding change: c.2002del on transcript NM_001371928.1 (MANE Select); coding-DNA position 2002, one base deleted (C; older notation c.2002delC).
Protein change: p.Arg668fs; shifts the reading frame from arginine 668.
Molecular consequence: frameshift variant.
Genome position (GRCh38, 1-based): chr1:27,550,114, G deleted on the plus strand (C on the coding strand, the reverse complement: AHDC1 is on the minus strand). VCF-style (leftmost placement, unchanged base first): chr1-27550113-CG-C. GRCh37 (hg19) VCF-style: chr1-27876624-CG-C.
Other names: c.2002del, p.Arg668fs (NM_001029882.3); short protein forms R668fs.
Identifiers: ClinVar variation 3775541 (VCV003775541.1).